The following is an entry in ClinVar:

ClinVar aggregate classification (germline): Uncertain significance (1 of 4 stars; one submission).

Allele frequency attached by ClinVar (database versions not stated): gnomAD exomes below 0.00001 and 0.00002; ExAC 0.00001; TOPMed 0.00001.
gnomAD v4.1: 2 of 1,613,740 alleles (0.00012%); highest among the groups gnomAD compares: East Asian, 0.0045%; no homozygotes.

Submission:

Labcorp Genetics (formerly Invitae), Labcorp
Classification: Uncertain significance. Last evaluated: 2023-02-28. Review status: criteria provided, single submitter. Criteria: Invitae Variant Classification Sherloc (09022015). Collection method: clinical testing. Allele origin: germline.
Comment: This sequence change replaces histidine, which is basic and polar, with glutamine, which is neutral and polar, at codon 126 of the PSMB4 protein (p.His126Gln). This variant is present in population databases (rs745464020, gnomAD 0.02%). This variant has not been reported in the literature in individuals affected with PSMB4-related conditions. ClinVar contains an entry for this variant (Variation ID: 1478705). An algorithm developed to predict the effect of missense changes on protein structure and function (PolyPhen-2) suggests that this variant is likely to be disruptive. In summary, the available evidence is currently insufficient to determine the role of this variant in disease. Therefore, it has been classified as a Variant of Uncertain Significance.

NM_002796.3(PSMB4):c.378C>G (p.His126Gln)

Gene: PSMB4 (proteasome 20S subunit beta 4; plus strand). Cytogenetic location: 1q21.3.
Variant type: single nucleotide variant.
Coding change: c.378C>G on transcript NM_002796.3 (MANE Select); coding-DNA position 378, C replaced by G.
Protein change: p.His126Gln; replaces histidine 126 with glutamine.
Molecular consequence: missense variant.
Genome position (GRCh38, 1-based): chr1:151,400,472, C>G. VCF-style: chr1-151400472-C-G. GRCh37 (hg19) VCF-style: chr1-151372948-C-G.
Other names: short protein forms H126Q.
Identifiers: ClinVar variation 1478705 (VCV001478705.6), dbSNP rs745464020, ClinGen allele CA1090647.
Genomic context (GRCh38, chr1:151,400,472, plus strand): 5'-TCCCTTTTCTCACAACCAATTCCTTTTAAGGATTGATGAGGAGCTTCTGGGAGATGGACA[C>G]AGCTATAGTCCTAGAGCTATTCATTCATGGCTGACCAGGGCCATGTACAGCCGGCGCTCG-3'
Protein context (NP_002787.2, residues 116-136): VIDEELLGDG[His126Gln]SYSPRAIHSW